The following is an entry in ClinVar:

ClinVar aggregate classification (germline): Pathogenic. Review status: criteria provided, multiple submitters, no conflicts (2 of 4 stars). 4 submissions from 4 submitters: Pathogenic (2). 2 of the submissions do not count toward it. Last evaluated 2025-09-17.

Conditions:
Norum disease. Also called: Familial lecithin cholesterol acyltransferase deficiency. Identifiers: Orphanet 79293, MedGen C0023195, MONDO:0009515, OMIM 245900.
Fish-eye disease (FED). Also called: DYSLIPOPROTEINEMIC CORNEAL DYSTROPHY; ALPHA-LCAT DEFICIENCY; LCATA DEFICIENCY. Identifiers: Orphanet 650, Orphanet 79292, MedGen C0342895, MONDO:0007620, OMIM 136120.
LCAT-related disorder. Also called: LCAT-related condition.

Allele frequency attached by ClinVar (database versions not stated): TOPMed 0.00005; gnomAD 0.00004; ExAC 0.00001; gnomAD exomes 0.00004.
gnomAD v4.1: 100 of 1,612,762 alleles (0.0062%); highest among the groups gnomAD compares: Non-Finnish European, 0.0084%; no homozygotes.

Submissions (4):

Labcorp Genetics (formerly Invitae), Labcorp
Classification: Pathogenic. Last evaluated: 2025-09-17. Review status: criteria provided, single submitter. Criteria: Invitae Variant Classification Sherloc (09022015). Collection method: clinical testing. Allele origin: germline.
Comment: This sequence change replaces threonine, which is neutral and polar, with isoleucine, which is neutral and non-polar, at codon 147 of the LCAT protein (p.Thr147Ile). This variant is present in population databases (rs121908050, gnomAD 0.009%). This missense change has been observed in individual(s) with Fish-eye disease (PMID: 1588268, 2052566, 21901787). It has also been observed to segregate with disease in related individuals. This variant is also known as p.Thr123Ile. ClinVar contains an entry for this variant (Variation ID: 3660). Invitae Evidence Modeling of protein sequence and biophysical properties (such as structural, functional, and spatial information, amino acid conservation, physicochemical variation, residue mobility, and thermodynamic stability) indicates that this missense variant is expected to disrupt LCAT protein function with a positive predictive value of 95%. Experimental studies have shown that this missense change affects LCAT function (PMID: 25948084). For these reasons, this variant has been classified as Pathogenic.

Fulgent Genetics
Classification: Pathogenic for Fish-eye disease; Norum disease. Last evaluated: 2022-04-04. Review status: criteria provided, single submitter. Criteria: ACMG Guidelines, 2015. Collection method: clinical testing. Allele origin: unknown.

PreventionGenetics, part of Exact Sciences
Classification: Likely pathogenic for LCAT-related condition. Last evaluated: 2024-04-07. Review status: no assertion criteria provided. Collection method: clinical testing. Allele origin: germline. Not counted in ClinVar's aggregate classification.
Comment: The LCAT c.440C>T variant is predicted to result in the amino acid substitution p.Thr147Ile. This variant, also described as p.Thr123Ile using legacy nomenclature, has been reported in the compound heterozygous and homozygous states in multiple individuals with partial lecithin-cholesterol acyltransferase deficiency (Funke et al. 1991. PubMed ID: 2052566; Kastelein et al. 1992. PubMed ID: 1588268; Klein et al. 1992. PubMed ID: 1737840; Holleboom et al. 2011. PubMed ID: 21901787; Ono et al. 2020. PubMed ID: 33324778) and has been observed to co-segregate with disease in two large families (Funke et al. 1991. PubMed ID: 2052566; Kastelein et al. 1992. PubMed ID: 1588268). In vitro and in vivo functional studies have demonstrated that this variant renders LCAT unable to bind cholesterol to HDL (α-LCAT activity) while retaining activity toward VLDL and LDL (β-LCAT activity) (Holleboom et al. 2011. PubMed ID: 21901787; Fotakis et al. 2015. PubMed ID: 25948084). This variant is reported in 0.0098% of alleles in individuals of European (Non-Finnish) descent in gnomAD. This variant is interpreted as likely pathogenic.

OMIM
Classification: Pathogenic for FISH-EYE DISEASE. Last evaluated: 1992-02-01. Review status: no assertion criteria provided. Collection method: literature only. Allele origin: germline. Not counted in ClinVar's aggregate classification.

Literature cited by the submitters: PubMed 1588268 (cited by Labcorp Genetics (formerly Invitae), Labcorp); PubMed 2052566 (cited by Labcorp Genetics (formerly Invitae), Labcorp and OMIM); PubMed 21901787 (cited by Labcorp Genetics (formerly Invitae), Labcorp); PubMed 25948084 (cited by Labcorp Genetics (formerly Invitae), Labcorp); PubMed 1737840 (cited by OMIM).

NM_000229.2(LCAT):c.440C>T (p.Thr147Ile)

Gene: LCAT (lecithin-cholesterol acyltransferase; minus strand). Cytogenetic location: 16q22.1.
Variant type: single nucleotide variant.
Coding change: c.440C>T on transcript NM_000229.2 (MANE Select); coding-DNA position 440, C replaced by T.
Protein change: p.Thr147Ile; replaces threonine 147 with isoleucine.
Molecular consequence: missense variant.
Genome position (GRCh38, 1-based): chr16:67,942,754, G>A on the plus strand (C>T on the coding strand, the complement: LCAT is on the minus strand). VCF-style: chr16-67942754-G-A. GRCh37 (hg19) VCF-style: chr16-67976657-G-A.
Other names: I123T; c.440C>T (NM_000229.1); short protein forms T147I.
Identifiers: ClinVar variation 3660 (VCV000003660.7), dbSNP rs121908050, ClinGen allele CA116418.